The following is an entry in ClinVar:

ClinVar aggregate classification (germline): Uncertain significance (1 of 4 stars; one submission).

Conditions:
Hypertrophic cardiomyopathy 14. Identifiers: MedGen C2750467, MONDO:0013197, OMIM 613251.

Allele frequency attached by ClinVar (database versions not stated): gnomAD exomes below 0.00001; TOPMed below 0.00001.
gnomAD v4.1: 1 of 1,614,234 alleles (0.000062%); highest among the groups gnomAD compares: Non-Finnish European, 0.000085%; no homozygotes.

Submission:

Labcorp Genetics (formerly Invitae), Labcorp
Classification: Uncertain significance for Hypertrophic cardiomyopathy 14. Last evaluated: 2026-01-15. Review status: criteria provided, single submitter. Criteria: Invitae Variant Classification Sherloc (09022015). Collection method: clinical testing. Allele origin: germline.
Comment: This sequence change replaces proline, which is neutral and non-polar, with arginine, which is basic and polar, at codon 226 of the MYH6 protein (p.Pro226Arg). This variant is not present in population databases (gnomAD no frequency). This variant has not been reported in the literature in individuals affected with MYH6-related conditions. ClinVar contains an entry for this variant (Variation ID: 2091100). Invitae Evidence Modeling of protein sequence and biophysical properties (such as structural, functional, and spatial information, amino acid conservation, physicochemical variation, residue mobility, and thermodynamic stability) indicates that this missense variant is expected to disrupt MYH6 protein function with a positive predictive value of 80%. In summary, the available evidence is currently insufficient to determine the role of this variant in disease. Therefore, it has been classified as a Variant of Uncertain Significance.

NM_002471.4(MYH6):c.677C>G (p.Pro226Arg)

Gene: MYH6 (myosin heavy chain 6; minus strand). Cytogenetic location: 14q11.2.
Variant type: single nucleotide variant.
Coding change: c.677C>G on transcript NM_002471.4 (MANE Select); coding-DNA position 677, C replaced by G.
Protein change: p.Pro226Arg; replaces proline 226 with arginine.
Molecular consequence: missense variant.
Genome position (GRCh38, 1-based): chr14:23,404,354, G>C on the plus strand (C>G on the coding strand, the complement: MYH6 is on the minus strand). VCF-style: chr14-23404354-G-C. GRCh37 (hg19) VCF-style: chr14-23873563-G-C.
Other names: short protein forms P226R.
Identifiers: ClinVar variation 2091100 (VCV002091100.4), dbSNP rs1891708365, ClinGen allele CA389029081.
Genomic context (GRCh38, chr14:23,404,354, plus strand): 5'-ACAAAGCGGGAGGAGTTGTCGTTCCGGACAGTCTTGGCATTGCCGAAGGCCTCCAGAGCG[G>C]GGTTGGCCTGGATGATCTGGTCCTCCAGGGTGCCCTATGAAAGGAGCAGAACTGCATGGG-3'
Protein context (NP_002462.2, residues 216-236): TLEDQIIQAN[Pro226Arg]ALEAFGNAKT